The following is an entry in ClinVar:

NM_021964.3(ZNF148):c.1810G>A (p.Glu604Lys)

Genes: ZNF148 (zinc finger protein 148; minus strand), LOC126806798 (P300/CBP strongly-dependent group 1 enhancer GRCh37_chr3:124950809-124952008; plus strand). Cytogenetic location: 3q21.2.
Variant type: single nucleotide variant.
Coding change: c.1810G>A on transcript NM_021964.3 (MANE Select); coding-DNA position 1810, G replaced by A.
Protein change: p.Glu604Lys; replaces glutamic acid 604 with lysine.
Molecular consequence: missense variant.
Genome position (GRCh38, 1-based): chr3:125,232,916, C>T on the plus strand (G>A on the coding strand, the complement: ZNF148 is on the minus strand). VCF-style: chr3-125232916-C-T. GRCh37 (hg19) VCF-style: chr3-124951760-C-T.
Other names: c.1810G>A, p.Glu604Lys (NM_001348424.1, NM_001348425.2, NM_001348426.2 and 7 more transcripts); c.1684G>A, p.Glu562Lys (NM_001348434.2); short protein forms E562K, E604K.
Identifiers: ClinVar variation 3390736 (VCV003390736.1).

ClinVar aggregate classification (germline): Uncertain significance (1 of 4 stars; one submission).

Submission:

GeneDx
Classification: Uncertain significance. Last evaluated: 2024-06-06. Review status: criteria provided, single submitter. Criteria: GeneDx Variant Classification Process June 2021. Collection method: clinical testing. Allele origin: germline. Affected: yes.
Comment: Not observed at significant frequency in large population cohorts (gnomAD); In silico analysis indicates that this missense variant does not alter protein structure/function; Has not been previously published as pathogenic or benign to our knowledge